The following is an entry in ClinVar:

ClinVar aggregate classification (germline): Likely pathogenic (1 of 4 stars; one submission).

Submission:

GeneDx
Classification: Likely pathogenic. Last evaluated: 2020-07-12. Review status: criteria provided, single submitter. Criteria: GeneDx Variant Classification (06012015). Collection method: clinical testing. Allele origin: germline. Affected: yes.
Comment: In silico analysis supports that this missense variant has a deleterious effect on protein structure/function. Not observed in large population cohorts (Lek et al., 2016). We interpret R200W as a likely pathogenic variant.

NM_015076.5(CDK19):c.598C>T (p.Arg200Trp)

Gene: CDK19 (cyclin dependent kinase 19; minus strand). Cytogenetic location: 6q21.
Variant type: single nucleotide variant.
Coding change: c.598C>T on transcript NM_015076.5 (MANE Select); coding-DNA position 598, C replaced by T.
Protein change: p.Arg200Trp; replaces arginine 200 with tryptophan.
Molecular consequence: missense variant. On other transcripts: intron variant (1).
Genome position (GRCh38, 1-based): chr6:110,632,078, G>A on the plus strand (C>T on the coding strand, the complement: CDK19 is on the minus strand). VCF-style: chr6-110632078-G-A. GRCh37 (hg19) VCF-style: chr6-110953281-G-A.
Other names: c.418C>T, p.Arg140Trp (NM_001300963.2, NM_001300964.2); c.515-4933C>T (NM_001300960.2); short protein forms R140W, R200W.
Identifiers: ClinVar variation 973820 (VCV000973820.1), dbSNP rs1779472995, ClinGen allele CA365357473.